The following is an entry in ClinVar:

NM_199420.4(POLQ):c.2438C>T (p.Ser813Phe)

Gene: POLQ (DNA polymerase theta; minus strand). Cytogenetic location: 3q13.33.
Variant type: single nucleotide variant.
Coding change: c.2438C>T on transcript NM_199420.4 (MANE Select); coding-DNA position 2438, C replaced by T.
Protein change: p.Ser813Phe; replaces serine 813 with phenylalanine.
Molecular consequence: missense variant.
Genome position (GRCh38, 1-based): chr3:121,493,562, G>A on the plus strand (C>T on the coding strand, the complement: POLQ is on the minus strand). VCF-style: chr3-121493562-G-A. GRCh37 (hg19) VCF-style: chr3-121212409-G-A.
Other names: short protein forms S813F.
Identifiers: ClinVar variation 1791253 (VCV001791253.2), dbSNP rs2546790695, ClinGen allele CA354107670.

ClinVar aggregate classification (germline): Uncertain significance (1 of 4 stars; one submission).

Submission:

Ambry Genetics
Classification: Uncertain significance. Last evaluated: 2022-05-01. Review status: criteria provided, single submitter. Criteria: Ambry Variant Classification Scheme 2023. Collection method: clinical testing. Allele origin: germline.
Comment: The p.S813F variant (also known as c.2438C>T), located in coding exon 15 of the POLQ gene, results from a C to T substitution at nucleotide position 2438. The serine at codon 813 is replaced by phenylalanine, an amino acid with highly dissimilar properties. This amino acid position is conserved. In addition, this alteration is predicted to be tolerated by in silico analysis. Since supporting evidence is limited at this time, the clinical significance of this alteration remains unclear.